The following is an entry in ClinVar:

ClinVar aggregate classification (germline): Uncertain significance. Review status: criteria provided, multiple submitters, no conflicts (2 of 4 stars). 2 submissions from 2 submitters: Uncertain significance (2). Last evaluated 2025-07-08.

gnomAD v4.1: 1 of 1,614,170 alleles (0.000062%); highest among the groups gnomAD compares: Non-Finnish European, 0.000085%; no homozygotes.

Submissions (2):

Dasa
Classification: Uncertain significance. Last evaluated: 2025-07-08. Review status: criteria provided, single submitter. Criteria: DASA Assertion Criteria. Collection method: clinical testing. Allele origin: germline.
Comment: NM_201253.3(CRB1):c.1304G>A (p.Gly435Glu) is a missense variant that results in the substitution of glycine with glutamic acid. This variant is rare in population databases. Computational prediction algorithms are consistent with a deleterious effect. The currently available literature and clinical evidence are not sufficient to establish a definitive association between this variant and the reported condition. Therefore, this variant is classified as a variant of uncertain significance.

Blueprint Genetics
Classification: Uncertain significance. Last evaluated: 2024-08-06. Review status: criteria provided, single submitter. Criteria: ACMG Guidelines, 2015. Collection method: clinical testing. Allele origin: germline.

NM_201253.3(CRB1):c.1304G>A (p.Gly435Glu)

Gene: CRB1 (crumbs cell polarity complex component 1; plus strand). Cytogenetic location: 1q31.3.
Variant type: single nucleotide variant.
Coding change: c.1304G>A on transcript NM_201253.3 (MANE Select); coding-DNA position 1304, G replaced by A.
Protein change: p.Gly435Glu; replaces glycine 435 with glutamic acid.
Molecular consequence: missense variant. On other transcripts: non-coding transcript variant (2).
Genome position (GRCh38, 1-based): chr1:197,421,132, G>A. VCF-style: chr1-197421132-G-A. GRCh37 (hg19) VCF-style: chr1-197390262-G-A.
Other names: c.968G>A, p.Gly323Glu (NM_001193640.2); c.1097G>A, p.Gly366Glu (NM_001257965.2); c.1304G>A, p.Gly435Glu (NM_001257966.2); short protein forms G323E, G366E, G435E.
Identifiers: ClinVar variation 4881723 (VCV004881723.3).